The following is an entry in ClinVar:

NM_001382567.1(STIM1):c.1302G>A (p.Glu434=)

Gene: STIM1 (stromal interaction molecule 1; plus strand). Cytogenetic location: 11p15.4.
Variant type: single nucleotide variant.
Coding change: c.1302G>A on transcript NM_001382567.1 (MANE Select); coding-DNA position 1302, G replaced by A.
Protein change: p.Glu434=; no amino-acid change (glutamic acid 434 retained).
Molecular consequence: synonymous variant. On other transcripts: non-coding transcript variant (2).
Genome position (GRCh38, 1-based): chr11:4,083,326, G>A. VCF-style: chr11-4083326-G-A. GRCh37 (hg19) VCF-style: chr11-4104556-G-A.
Other names: p.Glu434=; c.1302G>A, p.Glu434= (NM_001277961.3, NM_001277962.2, NM_003156.4); c.1080G>A, p.Glu360= (NM_001382566.1, NM_001382573.1, NM_001382575.1 and 4 more transcripts); c.1323G>A, p.Glu441= (NM_001382568.1); c.1167G>A, p.Glu389= (NM_001382569.1); c.1074G>A, p.Glu358= (NM_001382570.1); c.822G>A, p.Glu274= (NM_001382571.1); c.813G>A, p.Glu271= (NM_001382580.1, NM_001382581.1).
Identifiers: ClinVar variation 258970 (VCV000258970.29), dbSNP rs116837894, ClinGen allele CA5830447.
Genomic context (GRCh38, chr11:4,083,326, plus strand): 5'-AGCACTGAGCGAGGTGACAGCAGCATTGCGGGAGCGCCTGCACCGCTGGCAACAGATCGA[G>A]ATCCTCTGTGGCTTCCAGATTGTCAACAACCCTGGCATCCACTCACTGGTGGCTGCCCTC-3'
Protein context (NP_001369496.1, residues 424-444): RERLHRWQQI[Glu434=]ILCGFQIVNN

ClinVar aggregate classification (germline): Benign/Likely benign. Review status: criteria provided, multiple submitters, no conflicts (2 of 4 stars). 7 submissions from 7 submitters: Benign (3); Likely benign (4). Last evaluated 2026-01-27.

Conditions:
Combined immunodeficiency due to STIM1 deficiency. Also called: STIM1 DEFICIENCY; IMMUNODEFICIENCY 10. Identifiers: Orphanet 169090, Orphanet 317430, MedGen C2748557, MONDO:0013008, OMIM 612783.
Stormorken syndrome (STRMK). Also called: THROMBOCYTOPATHY, ASPLENIA, AND MIOSIS. Identifiers: Orphanet 3204, MedGen C1861451, MONDO:0008497, OMIM 185070.
Myopathy with tubular aggregates (TAM). Also called: Tubular Aggregate Myopathy. Identifiers: Orphanet 2593, MedGen C0410207, MONDO:0008051.

Allele frequency attached by ClinVar (database versions not stated): gnomAD exomes 0.00039 and 0.00102; ExAC 0.00131; 1000 Genomes Project 0.00319; 1000 Genomes Project 30x 0.00359; gnomAD 0.00388 and 0.00426; TOPMed 0.00444; ESP Exome Variant Server 0.00477.
gnomAD v4.1: 1,179 of 1,614,258 alleles (0.073%); highest among the groups gnomAD compares: African/African-American, 1.4%; 8 homozygotes.

Submissions (7):

Labcorp Genetics (formerly Invitae), Labcorp
Classification: Benign for Myopathy with tubular aggregates; Combined immunodeficiency due to STIM1 deficiency; Stormorken syndrome. Last evaluated: 2026-01-27. Review status: criteria provided, single submitter. Criteria: Invitae Variant Classification Sherloc (09022015). Collection method: clinical testing. Allele origin: germline.

Mayo Clinic Laboratories, Mayo Clinic
Classification: Benign. Last evaluated: 2025-08-08. Review status: criteria provided, single submitter. Criteria: ACMG Guidelines, 2015. Collection method: clinical testing. Allele origin: germline. Observed: 10 variant alleles.
Comment: BS1, BS2, BP4, BP7

CeGaT Center for Human Genetics Tuebingen
Classification: Likely benign. Last evaluated: 2025-04-01. Review status: criteria provided, single submitter. Criteria: CeGaT Center For Human Genetics Tuebingen Variant Classification Criteria Version 2. Collection method: clinical testing. Allele origin: germline. Affected: yes. Observed: 2 variant alleles.
Comment: STIM1: BP4, BP7, BS1

Blueprint Genetics
Classification: Likely benign. Last evaluated: 2024-11-14. Review status: criteria provided, single submitter. Criteria: ACMG Guidelines, 2015. Collection method: clinical testing. Allele origin: germline.

GeneDx
Classification: Likely benign. Last evaluated: 2018-04-23. Review status: criteria provided, single submitter. Criteria: GeneDx Variant Classification (06012015). Collection method: clinical testing. Allele origin: germline. Affected: yes.
Comment: This variant is considered likely benign or benign based on one or more of the following criteria: it is a conservative change, it occurs at a poorly conserved position in the protein, it is predicted to be benign by multiple in silico algorithms, and/or has population frequency not consistent with disease.

Breakthrough Genomics
Classification: Likely benign. Review status: criteria provided, single submitter. Criteria: ACMG Guidelines, 2015. Collection method: not provided. Allele origin: germline. Inheritance: Autosomal recessive inheritance. Affected: yes.

PreventionGenetics, part of Exact Sciences
Classification: Benign. Review status: criteria provided, single submitter. Criteria: ACMG Guidelines, 2015. Collection method: clinical testing. Allele origin: germline.